The following is an entry in ClinVar:

NM_015030.2(FRYL):c.2159T>C (p.Leu720Pro)

Gene: FRYL (FRY like transcription coactivator; minus strand). Cytogenetic location: 4p11.
Variant type: single nucleotide variant.
Coding change: c.2159T>C on transcript NM_015030.2 (MANE Select); coding-DNA position 2159, T replaced by C.
Protein change: p.Leu720Pro; replaces leucine 720 with proline.
Molecular consequence: missense variant.
Genome position (GRCh38, 1-based): chr4:48,581,433, A>G on the plus strand (T>C on the coding strand, the complement: FRYL is on the minus strand). VCF-style: chr4-48581433-A-G. GRCh37 (hg19) VCF-style: chr4-48583450-A-G.
Other names: short protein forms L720P.
Identifiers: ClinVar variation 3342778 (VCV003342778.1).

ClinVar aggregate classification (germline): Uncertain significance (1 of 4 stars; one submission).

Submission:

GeneDx
Classification: Uncertain significance. Last evaluated: 2022-12-31. Review status: criteria provided, single submitter. Criteria: GeneDx Variant Classification Process June 2021. Collection method: clinical testing. Allele origin: germline. Affected: yes.
Comment: Not observed at significant frequency in large population cohorts (gnomAD); In silico analysis supports that this missense variant has a deleterious effect on protein structure/function; Has not been previously published as pathogenic or benign to our knowledge; Variants in candidate genes are classified as variants of uncertain significance in accordance with ACMG guidelines (Richards et al., 2015)